The following is an entry in ClinVar:

NM_183075.3(CYP2U1):c.1044T>C (p.Asp348=)

Gene: CYP2U1 (cytochrome P450 family 2 subfamily U member 1; plus strand). Cytogenetic location: 4q25.
Variant type: single nucleotide variant.
Coding change: c.1044T>C on transcript NM_183075.3 (MANE Select); coding-DNA position 1044, T replaced by C.
Protein change: p.Asp348=; no amino-acid change (aspartic acid 348 retained).
Molecular consequence: synonymous variant.
Genome position (GRCh38, 1-based): chr4:107,945,523, T>C. VCF-style: chr4-107945523-T-C. GRCh37 (hg19) VCF-style: chr4-108866679-T-C.
Other names: p.Asp348=.
Identifiers: ClinVar variation 695859 (VCV000695859.34), dbSNP rs374633238, ClinGen allele CA3037105.

ClinVar aggregate classification (germline): Conflicting classifications of pathogenicity. Review status: criteria provided, conflicting classifications (1 of 4 stars). 4 submissions from 4 submitters: Uncertain significance (1); Likely benign (3). Last evaluated 2025-08-06.

Conditions:
Hereditary spastic paraplegia. Also called: Familial spastic paraparesis. Identifiers: Orphanet 685, MedGen C0037773, MONDO:0019064. Disease mechanism: loss of function.
Spastic paraplegia. Identifiers: MedGen C0037772, HP:0001258.

Allele frequency attached by ClinVar (database versions not stated): ExAC 0.00005; gnomAD exomes 0.00007; ESP Exome Variant Server 0.00008; gnomAD 0.00009; TOPMed 0.00009; 1000 Genomes Project 30x 0.00016.
gnomAD v4.1: 204 of 1,613,870 alleles (0.013%); highest among the groups gnomAD compares: Non-Finnish European, 0.017%; 1 homozygote.

Submissions (4):

Labcorp Genetics (formerly Invitae), Labcorp
Classification: Likely benign for Spastic paraplegia. Last evaluated: 2025-08-06. Review status: criteria provided, single submitter. Criteria: Invitae Variant Classification Sherloc (09022015). Collection method: clinical testing. Allele origin: germline.

Mayo Clinic Laboratories, Mayo Clinic
Classification: Likely benign. Last evaluated: 2025-03-18. Review status: criteria provided, single submitter. Criteria: ACMG Guidelines, 2015. Collection method: clinical testing. Allele origin: germline. Observed: 1 variant allele.
Comment: BP4, BP7

CeGaT Center for Human Genetics Tuebingen
Classification: Likely benign. Last evaluated: 2023-09-01. Review status: criteria provided, single submitter. Criteria: CeGaT Center For Human Genetics Tuebingen Variant Classification Criteria Version 2. Collection method: clinical testing. Allele origin: germline. Affected: yes. Observed: 2 variant alleles.
Comment: CYP2U1: BP4, BP7

Genome Diagnostics Laboratory, The Hospital for Sick Children
Classification: Uncertain significance for Hereditary spastic paraplegia. Last evaluated: 2021-02-24. Review status: criteria provided, single submitter. Criteria: ACMG Guidelines, 2015. Collection method: clinical testing. Allele origin: germline. Affected: yes.